The following is an entry in ClinVar:

ClinVar aggregate classification (germline): Uncertain significance (1 of 4 stars; one submission).

Allele frequency attached by ClinVar (database versions not stated): gnomAD exomes below 0.00001; ExAC 0.00001; gnomAD 0.00001.
gnomAD v4.1: 6 of 1,613,284 alleles (0.00037%); highest among the groups gnomAD compares: Admixed American, 0.0017%; no homozygotes.

Submission:

Labcorp Genetics (formerly Invitae), Labcorp
Classification: Uncertain significance. Last evaluated: 2022-08-22. Review status: criteria provided, single submitter. Criteria: Invitae Variant Classification Sherloc (09022015). Collection method: clinical testing. Allele origin: germline.
Comment: This sequence change replaces arginine, which is basic and polar, with glutamine, which is neutral and polar, at codon 142 of the IFT52 protein (p.Arg142Gln). In summary, the available evidence is currently insufficient to determine the role of this variant in disease. Therefore, it has been classified as a Variant of Uncertain Significance. Algorithms developed to predict the effect of missense changes on protein structure and function are either unavailable or do not agree on the potential impact of this missense change (SIFT: "Not Available"; PolyPhen-2: "Benign"; Align-GVGD: "Not Available"). This variant has not been reported in the literature in individuals affected with IFT52-related conditions. This variant is present in population databases (rs769671581, gnomAD 0.003%).

NM_016004.5(IFT52):c.425G>A (p.Arg142Gln)

Gene: IFT52 (intraflagellar transport 52; plus strand). Cytogenetic location: 20q13.12.
Variant type: single nucleotide variant.
Coding change: c.425G>A on transcript NM_016004.5 (MANE Select); coding-DNA position 425, G replaced by A.
Protein change: p.Arg142Gln; replaces arginine 142 with glutamine.
Molecular consequence: missense variant. On other transcripts: 5 prime UTR variant (4).
Genome position (GRCh38, 1-based): chr20:43,605,013, G>A. VCF-style: chr20-43605013-G-A. GRCh37 (hg19) VCF-style: chr20-42233653-G-A.
Other names: c.425G>A, p.Arg142Gln (NM_001303458.3, NM_001303459.3); c.-247G>A (NM_001323578.2, NM_001323580.2); c.-340G>A (NM_001323579.2, NM_001323581.2); short protein forms R142Q.
Identifiers: ClinVar variation 2076240 (VCV002076240.4), dbSNP rs769671581, ClinGen allele CA9866880.